The following is an entry in ClinVar:

NM_000642.3(AGL):c.1218T>G (p.Tyr406Ter)

Gene: AGL (amylo-alpha-1,6-glucosidase and 4-alpha-glucanotransferase; plus strand). Cytogenetic location: 1p21.2.
Variant type: single nucleotide variant.
Coding change: c.1218T>G on transcript NM_000642.3 (MANE Select); coding-DNA position 1218, T replaced by G.
Protein change: p.Tyr406Ter; replaces tyrosine 406 with a stop codon.
Molecular consequence: nonsense.
Genome position (GRCh38, 1-based): chr1:99,875,390, T>G. VCF-style: chr1-99875390-T-G. GRCh37 (hg19) VCF-style: chr1-100340946-T-G.
Other names: c.1218T>G, p.Tyr406Ter (NM_000028.3, NM_000643.3, NM_001425326.1 and 2 more transcripts); c.1170T>G, p.Tyr390Ter (NM_000646.3); c.1014T>G, p.Tyr338Ter (NM_001425328.1, NM_001425329.1); c.840T>G, p.Tyr280Ter (NM_001425332.1); c.1218T>G (NM_000642.2); short protein forms Y390*, Y406*, Y280*, Y338*.
Identifiers: ClinVar variation 2415255 (VCV002415255.6), dbSNP rs200607707, ClinGen allele CA341345340.

ClinVar aggregate classification (germline): Pathogenic/Likely pathogenic. Review status: criteria provided, multiple submitters, no conflicts (2 of 4 stars). 2 submissions from 2 submitters: Pathogenic (1); Likely pathogenic (1). Last evaluated 2024-11-18.

Conditions:
Glycogen storage disease type III (GSD3). Also called: Cori disease; FORBES DISEASE. Identifiers: Orphanet 366, MedGen C0017922, MONDO:0009291, OMIM 232400.

Submissions (2):

Natera, Inc.
Classification: Likely pathogenic for Glycogen storage disease type III. Last evaluated: 2024-11-18. Review status: criteria provided, single submitter. Criteria: Natera Variant Classification Schema (03/2026). Collection method: clinical testing. Allele origin: germline.
Comment: The c.1218T>G variant in AGL is a nonsense variant predicted to introduce a stop codon at amino acid 406. This variant is expected to result in nonsense mediated decay, truncation, or a dysfunctional protein product. This variant is rare in the general population with a frequency below the threshold expected for the associated phenotype(s). Given the available evidence, this variant is classified as Likely Pathogenic.

Labcorp Genetics (formerly Invitae), Labcorp
Classification: Pathogenic for Glycogen storage disease type III. Last evaluated: 2024-10-29. Review status: criteria provided, single submitter. Criteria: Invitae Variant Classification Sherloc (09022015). Collection method: clinical testing. Allele origin: germline.
Comment: This sequence change creates a premature translational stop signal (p.Tyr406*) in the AGL gene. It is expected to result in an absent or disrupted protein product. Loss-of-function variants in AGL are known to be pathogenic (PMID: 19299494). This variant is not present in population databases (gnomAD no frequency). This variant has not been reported in the literature in individuals affected with AGL-related conditions. ClinVar contains an entry for this variant (Variation ID: 2415255). Algorithms developed to predict the effect of sequence changes on RNA splicing suggest that this variant may disrupt the consensus splice site. For these reasons, this variant has been classified as Pathogenic.

Literature cited by the submitters: PubMed 19299494 (cited by Labcorp Genetics (formerly Invitae), Labcorp).